The following is an entry in ClinVar:

ClinVar aggregate classification (germline): Uncertain significance (1 of 4 stars; one submission).

Conditions:
THOC2-related disorder. Also called: THOC2-related condition.

Submission:

PreventionGenetics, part of Exact Sciences
Classification: Uncertain significance for THOC2-related condition. Last evaluated: 2026-01-12. Review status: criteria provided, single submitter. Criteria: ACMG Guidelines, 2015. Collection method: clinical testing. Allele origin: germline.
Comment: The THOC2 c.3157T>G variant is predicted to result in the amino acid substitution p.Trp1053Gly. To our knowledge, this variant has not been reported in the literature or in a large population database (gnomAD), indicating this variant is rare. At this time, the clinical significance of this variant is uncertain due to the absence of conclusive functional and genetic evidence.

NM_001081550.2(THOC2):c.3157T>G (p.Trp1053Gly)

Gene: THOC2 (THO complex subunit 2; minus strand). Cytogenetic location: Xq25.
Variant type: single nucleotide variant.
Coding change: c.3157T>G on transcript NM_001081550.2 (MANE Select); coding-DNA position 3157, T replaced by G.
Protein change: p.Trp1053Gly; replaces tryptophan 1053 with glycine.
Molecular consequence: missense variant.
Genome position (GRCh38, 1-based): chrX:123,624,570, A>C on the plus strand (T>G on the coding strand, the complement: THOC2 is on the minus strand). VCF-style: chrX-123624570-A-C. GRCh37 (hg19) VCF-style: chrX-122758421-A-C.
Other names: c.3157T>G, p.Trp1053Gly (NM_001441235.1, NM_001441236.1); short protein forms W1053G.
Identifiers: ClinVar variation 4992926 (VCV004992926.1).